The following is an entry in ClinVar:

NM_019616.4(F7):c.287G>T (p.Gly96Val)

Gene: F7 (coagulation factor VII; plus strand). Cytogenetic location: 13q34.
Variant type: single nucleotide variant.
Coding change: c.287G>T on transcript NM_019616.4 (MANE Select); coding-DNA position 287, G replaced by T.
Protein change: p.Gly96Val; replaces glycine 96 with valine.
Molecular consequence: missense variant. On other transcripts: non-coding transcript variant (1).
Genome position (GRCh38, 1-based): chr13:113,113,883, G>T. VCF-style: chr13-113113883-G-T. GRCh37 (hg19) VCF-style: chr13-113768197-G-T.
Other names: p.Gly118Val; c.353G>T, p.Gly118Val (NM_000131.5); c.101G>T, p.Gly34Val (NM_001267554.2); short protein forms G118V, G34V, G96V.
Identifiers: ClinVar variation 3380171 (VCV003380171.1).

ClinVar aggregate classification (germline): Uncertain significance (1 of 4 stars; one submission).

Submission:

Mayo Clinic Laboratories, Mayo Clinic
Classification: Uncertain significance. Last evaluated: 2024-06-06. Review status: criteria provided, single submitter. Criteria: ACMG Guidelines, 2015. Collection method: clinical testing. Allele origin: germline. Observed: 1 variant allele.
Comment: PP3, PM1_supporting, PM2_moderate